The following is an entry in ClinVar:

NM_001164508.2(NEB):c.3255+1G>A

Gene: NEB (nebulin; minus strand). Cytogenetic location: 2q23.3.
Variant type: single nucleotide variant.
Coding change: c.3255+1G>A on transcript NM_001164508.2 (MANE Select); the canonical splice donor site of the intron after coding-DNA position 3255, G replaced by A.
Molecular consequence: splice donor variant.
Genome position (GRCh38, 1-based): chr2:151,679,720, C>T on the plus strand (G>A on the coding strand, the complement: NEB is on the minus strand). VCF-style: chr2-151679720-C-T. GRCh37 (hg19) VCF-style: chr2-152536234-C-T.
Other names: c.3255+1G>A (NM_004543.5, NM_001164507.2, NM_001271208.2).
Identifiers: ClinVar variation 449502 (VCV000449502.29), dbSNP rs375628303, ClinGen allele CA1910960.
Genomic context (GRCh38, chr2:151,679,720, plus strand): 5'-GACCCCAAGCCCACCCACCCACATTTTCTAGTTGCCCATGTATGACCACAGCTGGACTTA[C>T]GTCACTCGCCGCCTGCCTGGCAGCTTTGGCAGCTCTGATGGGAATCGCATCAGTTCTCAG-3'

ClinVar aggregate classification (germline): Pathogenic. Review status: criteria provided, multiple submitters, no conflicts (2 of 4 stars). 11 submissions from 11 submitters: Pathogenic (11). Last evaluated 2025-12-23.

Conditions:
Arthrogryposis multiplex congenita 6. Identifiers: MedGen C5543431, MONDO:0030281, OMIM 619334.
Nemaline myopathy. Also called: Myopathies, Nemaline. Identifiers: Orphanet 607, MedGen C0206157, MONDO:0018958.
Nemaline myopathy 2 (NEM2). Also called: Nemaline myopathy 2, autosomal recessive. Identifiers: MedGen C1850569, MONDO:0009725, OMIM 256030.

Allele frequency attached by ClinVar (database versions not stated): gnomAD 0.00006; ESP Exome Variant Server 0.00008.
gnomAD v4.1: 8 of 1,343,354 alleles (0.0006%); highest among the groups gnomAD compares: Non-Finnish European, 0.0003%; no homozygotes.

Submissions (11):

Labcorp Genetics (formerly Invitae), Labcorp
Classification: Pathogenic for Nemaline myopathy 2. Last evaluated: 2025-12-23. Review status: criteria provided, single submitter. Criteria: Invitae Variant Classification Sherloc (09022015). Collection method: clinical testing. Allele origin: germline.
Comment: This sequence change affects a donor splice site in intron 32 of the NEB gene. It is expected to disrupt RNA splicing. Variants that disrupt the donor or acceptor splice site typically lead to a loss of protein function (PMID: 16199547), and loss-of-function variants in NEB are known to be pathogenic (PMID: 25205138). This variant is present in population databases (rs375628303, gnomAD 0.008%). Disruption of this splice site has been observed in individuals with nemaline myopathy (PMID: 16917880, 25205138). This variant is also known as g.53437G>A. ClinVar contains an entry for this variant (Variation ID: 449502). Algorithms developed to predict the effect of sequence changes on RNA splicing suggest that this variant may disrupt the consensus splice site. For these reasons, this variant has been classified as Pathogenic.

Natera, Inc.
Classification: Pathogenic for Nemaline myopathy type 2. Last evaluated: 2025-04-13. Review status: criteria provided, single submitter. Criteria: Natera Variant Classification Schema (03/2026). Collection method: clinical testing. Allele origin: germline.
Comment: The c.3255+1G>A variant in NEB is a canonical splice donor site variant predicted to affect pre-mRNA splicing, which may result in an abnormal transcript and altered protein product. This variant may result in a truncated or dysfunctional protein product. This variant is rare in the general population with a frequency below the threshold expected for the associated phenotype(s). This variant has been observed in one or more individuals affected with the associated recessive disease, as either homozygous or compound heterozygous with a second variant (PMID: 16917880, 22941215, 25205138). Functional studies show that this variant may disrupt protein function (PMID: 16917880). Another variant at this same site results in an alteration predicted to cause a similar molecular effect has been observed in individual(s) with the associated phenotype. Given the available evidence, this variant is classified as Pathogenic.

GeneDx
Classification: Pathogenic. Last evaluated: 2024-03-01. Review status: criteria provided, single submitter. Criteria: GeneDx Variant Classification Process June 2021. Collection method: clinical testing. Allele origin: germline. Affected: yes.
Comment: Reported in association with nemaline myopathy (PMID: 16917880, 25205138); Canonical splice site variant predicted to result in an in-frame deletion of a critical region; Deletions involving coding exons in this gene are frequently reported as pathogenic, regardless of frame prediction (HGMD); Not observed at significant frequency in large population cohorts (gnomAD); This variant is associated with the following publications: (PMID: 25205138, 22941215, 31127727, 16917880)

Baylor Genetics
Classification: Pathogenic for Arthrogryposis multiplex congenita 6. Last evaluated: 2024-01-07. Review status: criteria provided, single submitter. Criteria: ACMG Guidelines, 2015. Collection method: clinical testing. Allele origin: unknown.

3billion
Classification: Pathogenic for Nemaline myopathy 2. Last evaluated: 2023-10-26. Review status: criteria provided, single submitter. Criteria: ACMG Guidelines, 2015. Collection method: clinical testing. Allele origin: germline. Affected: yes.
Comment: The variant is observed at an extremely low frequency in the gnomAD v2.1.1 dataset (total allele frequency: 0.001%). Predicted Consequence/Location: Canonical splice site: predicted to alter splicing and result in a loss or disruption of normal protein function. Multiple pathogenic loss-of-function variants are reported downstream of the variant. The variant has been reported at least twice as pathogenic with clinical assertions and evidence for the classification (ClinVar ID: VCV000449502 /PMID: 16917880). Therefore, this variant is classified as Pathogenic according to the recommendation of ACMG/AMP guideline.

MGZ Medical Genetics Center
Classification: Pathogenic for Nemaline myopathy 2. Last evaluated: 2021-11-22. Review status: criteria provided, single submitter. Criteria: ACMG Guidelines, 2015. Collection method: clinical testing. Allele origin: germline. Affected: yes. Observed: 1 variant allele.
Comment: ACMG criteria applied: PVS1, PS3, PM3, PM2_SUP, PP1

Myriad Genetics, Inc.
Classification: Pathogenic for Nemaline myopathy 2. Last evaluated: 2021-11-11. Review status: criteria provided, single submitter. Criteria: Myriad Women's Health Autosomal Recessive and X-Linked Classification Criteria (2021). Collection method: clinical testing. Allele origin: unknown.
Comment: NM_001271208.1(NEB):c.3255+1G>A is a is a canonical splice variant classified as pathogenic in the context of NEB-related nemaline myopathy. c.3255+1G>A has been observed in cases with relevant disease (PMID: 25205138, 16917880). Functional assessments of this variant are available in the literature (PMID: 16917880). c.3255+1G>A has been observed in population frequency databases (gnomAD: FIN 0.005%). In summary, NM_001271208.1(NEB):c.3255+1G>A is a canonical splice variant that has been observed more frequently in cases with the relevant disease than in healthy populations. Please note: this variant was assessed in the context of healthy population screening.

Women's Health and Genetics/Laboratory Corporation of America, LabCorp
Classification: Pathogenic for Nemaline myopathy. Last evaluated: 2019-01-24. Review status: criteria provided, single submitter. Criteria: LabCorp Variant Classification Summary - May 2015. Collection method: clinical testing. Allele origin: germline.
Comment: Variant summary: NEB c.3255+1G>A is located in a canonical splice-site and is predicted to affect mRNA splicing resulting in a significantly altered protein. Several computational tools predict a significant impact on normal splicing: five predict the variant abolishes a 5' splicing donor site. At least one publication reported experimental evidence that this variant affects mRNA splicing, demonstrating skipping of exon 32, predicted to result in the deletion of 36 amino acid leading to impaired tropomyosin-binding (Lehtokari 2006). The variant allele was found at a frequency of 1.1e-05 in 275720 control chromosomes (gnomAD). c.3255+1G>A has been reported in the literature in compound heterozygous individuals affected with Nemaline Myopathy 2 (Lehtokari 2006, Lehtokari 2014). These data indicate that the variant is very likely to be associated with disease. Three ClinVar submissions from clinical diagnostic laboratories (evaluation after 2014) cites the variant as pathogenic. Based on the evidence outlined above, the variant was classified as pathogenic.

Institute of Human Genetics Munich, TUM University Hospital
Classification: Pathogenic for Nemaline myopathy 2. Last evaluated: 2018-02-02. Review status: criteria provided, single submitter. Criteria: Classification criteria August 2017. Collection method: clinical testing. Allele origin: maternal. Inheritance: Autosomal recessive inheritance. Affected: yes. Observed: 1 compound heterozygote.

Kasturba Medical College, Manipal, Kasturba Medical College, Manipal, Manipal Academy of Higher Education, Manipal, India
Classification: Pathogenic for Nemaline myopathy 2. Review status: criteria provided, single submitter. Criteria: ACMG Guidelines, 2015. Collection method: clinical testing. Allele origin: biparental. Inheritance: Autosomal recessive inheritance. Affected: yes. Observed: 1 homozygote.
Comment: This variant is reported in the ClinVar database as pathogenic by nine submitters (Accession ID: VCV000449502.23). Previously reported functional studies show that this variant leads to exon 32 skipping, resulting in the deletion of 36 amino acids (Lehtokari et al, 2006). This alteration likely causes aberrant mRNA splicing, leading to either nonsense-mediated mRNA decay or the formation of a truncated protein product. The clinical features observed in the proband are in concordance with nemaline myopathy 2.

Neuberg Centre For Genomic Medicine, NCGM
Classification: Pathogenic for Nemaline myopathy 2. Review status: criteria provided, single submitter. Criteria: ACMG Guidelines, 2015. Collection method: clinical testing. Allele origin: germline. Affected: yes.
Comment: The splice donor variant c.3255+1G>A in NEB (NM_001271208.2) has been reported previously in affected individuals and functional evidence on mRNA splicing has been observed (Lehtokari VL et al, 2014; Lehtokari VL et al, 2006). It has been classified as Pathogenic in ClinVar. The c.3255+1G>A variant is observed in 1/21,502 (0.0047%) alleles from individuals of Finnish background in gnomAD Exomes and is novel (not in any individuals) in 1000 Genomes. This variant affects and invariant splice site. Loss of function variants have been reported previously to be disease causing. For these reasons, this variant has been classified as Pathogenic.

Literature cited by the submitters: PubMed 16199547 (cited by Labcorp Genetics (formerly Invitae), Labcorp); PubMed 25205138 (cited by 3 submitters); PubMed 16917880 (cited by 5 submitters); PubMed 22941215 (cited by Natera, Inc.).